The following is an entry in ClinVar:

ClinVar aggregate classification (germline): Uncertain significance (1 of 4 stars; one submission).

Submission:

Ambry Genetics
Classification: Uncertain significance. Last evaluated: 2022-04-23. Review status: criteria provided, single submitter. Criteria: Ambry Variant Classification Scheme 2023. Collection method: clinical testing. Allele origin: germline.
Comment: The p.I19M variant (also known as c.57A>G), located in coding exon 1 of the MLH3 gene, results from an A to G substitution at nucleotide position 57. The isoleucine at codon 19 is replaced by methionine, an amino acid with highly similar properties. This amino acid position is conserved. In addition, this alteration is predicted to be deleterious by in silico analysis. Since supporting evidence is limited at this time, the clinical significance of this alteration remains unclear.

NM_001040108.2(MLH3):c.57A>G (p.Ile19Met)

Gene: MLH3 (mutL homolog 3; minus strand). Cytogenetic location: 14q24.3.
Variant type: single nucleotide variant.
Coding change: c.57A>G on transcript NM_001040108.2 (MANE Select); coding-DNA position 57, A replaced by G.
Protein change: p.Ile19Met; replaces isoleucine 19 with methionine.
Molecular consequence: missense variant.
Genome position (GRCh38, 1-based): chr14:75,049,599, T>C on the plus strand (A>G on the coding strand, the complement: MLH3 is on the minus strand). VCF-style: chr14-75049599-T-C. GRCh37 (hg19) VCF-style: chr14-75516302-T-C.
Other names: c.57A>G, p.Ile19Met (NM_014381.3); short protein forms I19M.
Identifiers: ClinVar variation 1749728 (VCV001749728.2), dbSNP rs2503338803, ClinGen allele CA390451834.
Genomic context (GRCh38, chr14:75,049,599, plus strand): 5'-TTTTGCTTCAGCATCAATACTGTTGAGGGCAAGTTCCTCAACACATTGGCCCAAGGAGCT[T>C]ATGGCCAAACCAGAACGCAATTTGGCTTGTACTTCAACTGACAAGCACTTGATCATGGTA-3'
Protein context (NP_001035197.1, residues 9-29): VQAKLRSGLA[Ile19Met]SSLGQCVEEL